The following is an entry in ClinVar:

NM_001082971.2(DDC):c.944+2408_944+2410del

Gene: DDC (dopa decarboxylase; minus strand). Cytogenetic location: 7p12.2.
Variant type: Deletion.
Coding change: c.944+2408_944+2410del on transcript NM_001082971.2 (MANE Select); bases 2408 to 2410 of the intron after coding-DNA position 944, 3 bases deleted (AAG; older notation c.944+2408_944+2410delAAG).
Molecular consequence: intron variant. On other transcripts: inframe deletion (1).
Genome position (GRCh38, 1-based): chr7:50,492,940-50,492,942, CTT deleted on the plus strand (AAG on the coding strand, the reverse complement: DDC is on the minus strand); deleting any 3 consecutive bases within chr7:50,492,940-50,492,944 gives the same sequence; the c. name uses the placement nearest the transcript's 3' end. VCF-style (leftmost placement, unchanged base first): chr7-50492939-CCTT-C. GRCh37 (hg19) VCF-style: chr7-50560637-CCTT-C.
Other names: c.1008_1010del, p.Arg337del (NM_001242890.2); c.710+2408_710+2410del (NM_001242888.2); c.830+2408_830+2410del (NM_001242886.2); c.665+2408_665+2410del (NM_001242889.2); c.800+2408_800+2410del (NM_001242887.2); c.944+2408_944+2410del (NM_000790.4); short protein forms R337del.
Identifiers: ClinVar variation 5018230 (VCV005018230.1).

ClinVar aggregate classification (germline): Uncertain significance (1 of 4 stars; one submission).

Submission:

GeneDx
Classification: Uncertain significance. Last evaluated: 2026-04-05. Review status: criteria provided, single submitter. Criteria: GeneDx Variant Classification Process June 2021. Collection method: clinical testing. Allele origin: germline.
Comment: In-frame deletion of 1 amino acid(s) in a non-repeat region; Not observed at significant frequency in large population cohorts (gnomAD); In silico analysis suggests that this missense variant does not alter protein structure/function; Has not been previously published as pathogenic or benign to our knowledge; Reported using an alternate transcript of the gene